The following is an entry in ClinVar:

ClinVar aggregate classification (germline): Likely benign. Review status: criteria provided, multiple submitters, no conflicts (2 of 4 stars). 2 submissions from 2 submitters: Likely benign (2). Last evaluated 2023-05-01.

Conditions:
Developmental and epileptic encephalopathy, 42 (DEE42A). Also called: Epileptic encephalopathy, early infantile, 42; DEVELOPMENTAL AND EPILEPTIC ENCEPHALOPATHY 42A; EPILEPTIC ENCEPHALOPATHY, EARLY INFANTILE, 42A. Identifiers: MedGen C4310716, MONDO:0014917, OMIM 617106.
Episodic ataxia type 2 (EA2). Also called: ATAXIA, EPISODIC, WITH NYSTAGMUS; ATAXIA, FAMILIAL PAROXYSMAL; CEREBELLAR ATAXIA, PAROXYSMAL, ACETAZOLAMIDE-RESPONSIVE; CEREBELLOPATHY, HEREDITARY PAROXYSMAL; EPISODIC ATAXIA, NYSTAGMUS-ASSOCIATED; ACETAZOLAMIDE-RESPONSIVE HEREDITARY PAROXYSMAL CEREBELLAR ATAXIA. Identifiers: Orphanet 97, MedGen C1720416, MONDO:0007163, OMIM 108500.

Submissions (2):

Labcorp Genetics (formerly Invitae), Labcorp
Classification: Likely benign for Developmental and epileptic encephalopathy, 42; Episodic ataxia type 2. Last evaluated: 2023-05-01. Review status: criteria provided, single submitter. Criteria: Invitae Variant Classification Sherloc (09022015). Collection method: clinical testing. Allele origin: germline.

GeneDx
Classification: Likely benign. Last evaluated: 2017-02-27. Review status: criteria provided, single submitter. Criteria: GeneDx Variant Classification (06012015). Collection method: clinical testing. Allele origin: germline. Affected: yes.
Comment: This variant is considered likely benign or benign based on one or more of the following criteria: it is a conservative change, it occurs at a poorly conserved position in the protein, it is predicted to be benign by multiple in silico algorithms, and/or has population frequency not consistent with disease.

NM_001127222.2(CACNA1A):c.632-7C>A

Gene: CACNA1A (calcium voltage-gated channel subunit alpha1 A; minus strand). Cytogenetic location: 19p13.13.
Variant type: single nucleotide variant.
Coding change: c.632-7C>A on transcript NM_001127222.2 (MANE Select); 7 bases into the intron before coding-DNA position 632, C replaced by A.
Molecular consequence: intron variant.
Genome position (GRCh38, 1-based): chr19:13,365,476, G>T on the plus strand (C>A on the coding strand, the complement: CACNA1A is on the minus strand). VCF-style: chr19-13365476-G-T. GRCh37 (hg19) VCF-style: chr19-13476290-G-T.
Other names: c.632-7C>A (NM_001127221.2, NM_001174080.2, NM_000068.4 and 1 more transcripts).
Identifiers: ClinVar variation 507456 (VCV000507456.4), dbSNP rs1555774874, ClinGen allele CA658799173.
Genomic context (GRCh38, chr19:13,365,476, plus strand): 5'-TCTGCAGCAAAGGGATCATCGCCTTCATGATCGACTTCAGGACGACTTGTAAACCTGGGG[G>T]GACACAGAGAGAGGCCCCATAAGCCCATGAGCAAGTACCCCCAAACCCCGCCACCAAGAC-3'